The following is an entry in ClinVar:

NM_030632.3(ASXL3):c.4871dup (p.His1624fs)

Gene: ASXL3 (ASXL transcriptional regulator 3; plus strand). Cytogenetic location: 18q12.1.
Variant type: Duplication.
Coding change: c.4871dup on transcript NM_030632.3 (MANE Select); coding-DNA position 4871, one base duplicated (A; older notation c.4871dupA).
Protein change: p.His1624fs; shifts the reading frame from histidine 1624.
Molecular consequence: frameshift variant.
Genome position (GRCh38, 1-based): chr18:33,744,719, A duplicated. VCF-style (leftmost placement, unchanged base first): chr18-33744718-C-CA. GRCh37 (hg19) VCF-style: chr18-31324682-C-CA.
Other names: short protein forms H1624fs.
Identifiers: ClinVar variation 4685509 (VCV004685509.1).

ClinVar aggregate classification (germline): Pathogenic (1 of 4 stars; one submission).

Conditions:
Bainbridge-Ropers syndrome. Also called: Severe feeding difficulties-failure to thrive-microcephaly due to ASXL3 deficiency syndrome. Identifiers: Orphanet 352577, MedGen C4750837, MONDO:0014205, OMIM 615485.

Submission:

Imagene.me medical diagnostic laboratory, IMAGENE.ME SA
Classification: Pathogenic for Bainbridge-Ropers syndrome. Review status: criteria provided, single submitter. Criteria: IMAGENE.ME Variant Classification SOP 2022. Collection method: clinical testing. Allele origin: de novo. Affected: yes.
Comment: Classified according to the IMAGENE.ME variant classification SOP based on the ACMG guidelines as Pathogenic (P): PVS1_Strong + PS2 + PM2 + PP4